The following is an entry in ClinVar:

ClinVar aggregate classification (germline): Pathogenic (1 of 4 stars; one submission).

Conditions:
Peutz-Jeghers syndrome (PJS). Also called: POLYPOSIS, HAMARTOMATOUS INTESTINAL; POLYPS-AND-SPOTS SYNDROME; Peutz-Jeghers polyposis; Periorificial lentiginosis syndrome. Identifiers: Orphanet 2869, MedGen C0031269, MeSH D010580, MONDO:0008280, OMIM 175200.

Submission:

Labcorp Genetics (formerly Invitae), Labcorp
Classification: Pathogenic for Peutz-Jeghers syndrome. Last evaluated: 2018-02-02. Review status: criteria provided, single submitter. Criteria: Invitae Variant Classification Sherloc (09022015). Collection method: clinical testing. Allele origin: germline.
Comment: This variant is a gross deletion of the genomic region encompassing part of exon 8 of the STK11 gene, including the exon 8-intron 8 boundary (c.1094_1108+1230del). This likely creates a premature translational stop signal and is expected to result in an absent or disrupted protein product. While this particular variant has not been reported in the literature, loss-of-function variants in STK11 are known to be pathogenic (PMID: 15188174, 16287113). For these reasons, this variant has been classified as Pathogenic.

Literature cited by the submitters: PubMed 15188174; PubMed 16287113.

NM_000455.5(STK11):c.1097_1108+1232del

Genes: STK11 (serine/threonine kinase 11; plus strand), LOC130062899 (ATAC-STARR-seq lymphoblastoid active region 13597; plus strand). Cytogenetic location: 19p13.3.
Variant type: Deletion.
Coding change: c.1097_1108+1232del on transcript NM_000455.5 (MANE Select); coding-DNA position 1097 through 1232 bases into the intron after coding-DNA position 1108, 1,244 bases deleted.
Molecular consequence: splice donor variant.
Genome position (GRCh38, 1-based): chr19:1,223,161-1,224,404, 1,244 bases deleted. GRCh37 (hg19): chr19:1,223,160-1,224,403.
Identifiers: ClinVar variation 527833 (VCV000527833.1), ClinGen allele CA658799095.